The following is an entry in ClinVar:

ClinVar aggregate classification (germline): Uncertain significance (1 of 4 stars; one submission).

Conditions:
Cardiovascular phenotype. Identifiers: MedGen CN230736.

Submission:

Ambry Genetics
Classification: Uncertain significance for Cardiovascular phenotype. Last evaluated: 2026-05-24. Review status: criteria provided, single submitter. Criteria: Ambry Variant Classification Scheme 2023. Collection method: clinical testing. Allele origin: germline.
Comment: The p.E762D variant (also known as c.2286G>T), located in coding exon 3 of the TNXB gene, results from a G to T substitution at nucleotide position 2286. The glutamic acid at codon 762 is replaced by aspartic acid, an amino acid with highly similar properties. This amino acid position is conserved. In addition, this alteration is predicted to be tolerated by in silico analysis. Based on the available evidence, the clinical significance of this variant remains unclear.

NM_001365276.2(TNXB):c.2286G>T (p.Glu762Asp)

Gene: TNXB (tenascin XB; minus strand). Cytogenetic location: 6p21.33.
Variant type: single nucleotide variant.
Coding change: c.2286G>T on transcript NM_001365276.2 (MANE Select); coding-DNA position 2286, G replaced by T.
Protein change: p.Glu762Asp; replaces glutamic acid 762 with aspartic acid.
Molecular consequence: missense variant.
Genome position (GRCh38, 1-based): chr6:32,095,148, C>A on the plus strand (G>T on the coding strand, the complement: TNXB is on the minus strand). VCF-style: chr6-32095148-C-A. GRCh37 (hg19) VCF-style: chr6-32062925-C-A.
Other names: c.2286G>T, p.Glu762Asp (NM_019105.8, NM_001428335.1); short protein forms E762D.
Identifiers: ClinVar variation 4865839 (VCV004865839.1).
Genomic context (GRCh38, chr6:32,095,148, plus strand): 5'-CTGAATTTCATAGGCATCCACGGGGCCAGGAGCCGGGGTCCACTCTGTCCGAACTGTTGT[C>A]TCCTCCAAGAGATGCATCCTCATGCCCTCAATGGTTGGCACCTCTGCCCAAGAGAATGGG-3'
Protein context (NP_001352205.1, residues 752-772): IEGMRMHLLE[Glu762Asp]TTVRTEWTPA